The following is an entry in ClinVar:

NM_001378609.3(OTOGL):c.320C>T (p.Thr107Ile)

Gene: OTOGL (otogelin like; plus strand). Cytogenetic location: 12q21.31.
Variant type: single nucleotide variant.
Coding change: c.320C>T on transcript NM_001378609.3 (MANE Select); coding-DNA position 320, C replaced by T.
Protein change: p.Thr107Ile; replaces threonine 107 with isoleucine.
Molecular consequence: missense variant.
Genome position (GRCh38, 1-based): chr12:80,219,898, C>T. VCF-style: chr12-80219898-C-T. GRCh37 (hg19) VCF-style: chr12-80613678-C-T.
Other names: c.320C>T, p.Thr107Ile (NM_001368062.3, NM_001378610.3, NM_173591.7); short protein forms T107I.
Identifiers: ClinVar variation 1503081 (VCV001503081.6), dbSNP rs1430188553, ClinGen allele CA385855193.

ClinVar aggregate classification (germline): Uncertain significance (1 of 4 stars; one submission).

Allele frequency attached by ClinVar (database versions not stated): gnomAD exomes below 0.00001.
gnomAD v4.1: 3 of 1,575,504 alleles (0.00019%); highest among the groups gnomAD compares: Non-Finnish European, 0.00026%; no homozygotes.

Submission:

Labcorp Genetics (formerly Invitae), Labcorp
Classification: Uncertain significance. Last evaluated: 2021-12-15. Review status: criteria provided, single submitter. Criteria: Invitae Variant Classification Sherloc (09022015). Collection method: clinical testing. Allele origin: germline.
Comment: This sequence change replaces threonine, which is neutral and polar, with isoleucine, which is neutral and non-polar, at codon 98 of the OTOGL protein (p.Thr98Ile). This variant is not present in population databases (gnomAD no frequency). This variant has not been reported in the literature in individuals affected with OTOGL-related conditions. Algorithms developed to predict the effect of missense changes on protein structure and function are either unavailable or do not agree on the potential impact of this missense change (SIFT: "Tolerated"; PolyPhen-2: "Possibly Damaging"; Align-GVGD: "Class C0"). In summary, the available evidence is currently insufficient to determine the role of this variant in disease. Therefore, it has been classified as a Variant of Uncertain Significance.